The following is an entry in ClinVar:

NM_000238.4(KCNH2):c.1920C>G (p.Phe640Leu)

Gene: KCNH2 (potassium voltage-gated channel subfamily H member 2; minus strand). Cytogenetic location: 7q36.1.
Variant type: single nucleotide variant.
Coding change: c.1920C>G on transcript NM_000238.4 (MANE Select); coding-DNA position 1920, C replaced by G.
Protein change: p.Phe640Leu; replaces phenylalanine 640 with leucine.
Molecular consequence: missense variant.
Genome position (GRCh38, 1-based): chr7:150,951,473, G>C on the plus strand (C>G on the coding strand, the complement: KCNH2 is on the minus strand). VCF-style: chr7-150951473-G-C. GRCh37 (hg19) VCF-style: chr7-150648561-G-C.
Other names: c.900C>G, p.Phe300Leu (NM_001204798.2, NM_172057.3); c.1632C>G, p.Phe544Leu (NM_001406753.1, NM_001406756.1); c.1743C>G, p.Phe581Leu (NM_001406755.1); c.1620C>G, p.Phe540Leu (NM_001406757.1); c.1920C>G, p.Phe640Leu (NM_172056.3); short protein forms F300L, F640L, F540L, F581L, F544L.
Identifiers: ClinVar variation 423753 (VCV000423753.4), dbSNP rs199472970, ClinGen allele CA16618407.
Genomic context (GRCh38, chr7:150,951,473, plus strand): 5'-GGCTCTCCCCGCCGCCCGCCCCTGGGCACACTCACAGCCAATGAGCATGACGCAGATGGA[G>C]AAGATCTTCTCTGAGTTGGTGTTGGGAGAGACGTTGCCGAAGCCCACACTGGTGAGGCTG-3'
Protein context (NP_000229.1, residues 630-650): VSPNTNSEKI[Phe640Leu]SICVMLIGSL

ClinVar aggregate classification (germline): Pathogenic (1 of 4 stars; one submission).

Submission:

GeneDx
Classification: Pathogenic. Last evaluated: 2017-03-03. Review status: criteria provided, single submitter. Criteria: GeneDx Variant Classification (06012015). Collection method: clinical testing. Allele origin: germline. Affected: yes.
Comment: The F640L pathogenic variant in the KCNH2 gene has previously been reported in association with LQTS (Wilde etal., 1999; VanLangen et al., 2003; Giudicessi et al., 2012); however, the nucleotide change was not specified. Adifferent nucleotide change resulting in the same amino acid substitution (c.1920 C>A) has also been reported inassociation with LQTS (Jongbloed et al., 1999; Kapa et al., 2009; Vyas et al., 2016). In addition, a differentmissense variant affecting the same amino acid residue (F640V) has been reported in association with LQTS (Testeret al., 2005; Kapa et al., 2009; Giudicessi et al., 2012). Although the F640L variant results in a conservative aminoacid substitution, which is not likely to impact secondary protein structure as these residues share similar properties,this substitution occurs at a position that is conserved across species, and in silico analysis predicts this variant isprobably damaging to the protein structure/function. Functional studies by Anderson et al. (2014) demonstrate thatF640L (nucleotide change not specified) results in deficient trafficking. Finally, the F640L variant is not observed inlarge population cohorts (Lek et al., 2016; 1000 Genomes Consortium et al., 2015; Exome Variant Server).